The following is an entry in ClinVar:

NM_001126108.2(SLC12A3):c.363G>C (p.Glu121Asp)

Gene: SLC12A3 (solute carrier family 12 member 3; plus strand). Cytogenetic location: 16q13.
Variant type: single nucleotide variant.
Coding change: c.363G>C on transcript NM_001126108.2 (MANE Select); coding-DNA position 363, G replaced by C.
Protein change: p.Glu121Asp; replaces glutamic acid 121 with aspartic acid.
Molecular consequence: missense variant.
Genome position (GRCh38, 1-based): chr16:56,867,150, G>C. VCF-style: chr16-56867150-G-C. GRCh37 (hg19) VCF-style: chr16-56901062-G-C.
Other names: c.363G>C, p.Glu121Asp (NM_000339.3); c.360G>C, p.Glu120Asp (NM_001126107.2); short protein forms E121D, E120D.
Identifiers: ClinVar variation 505768 (VCV000505768.36), dbSNP rs146632606, ClinGen allele CA8068995.
Genomic context (GRCh38, chr16:56,867,150, plus strand): 5'-TGCCCTGGCCTTTGACAGCCGGCCCAGCCACGAGATGACTGATGGGCTGGTGGAGGGCGA[G>C]GCAGGCACCAGCAGCGAGAAGAACCCCGAGGAGCCAGTGCGCTTCGGCTGGGTCAAGGGG-3'
Protein context (NP_001119580.2, residues 111-131): HEMTDGLVEG[Glu121Asp]AGTSSEKNPE

ClinVar aggregate classification (germline): Conflicting classifications of pathogenicity. Review status: criteria provided, conflicting classifications (1 of 4 stars). 16 submissions from 16 submitters: Pathogenic (1); Likely pathogenic (3); Uncertain significance (8). 4 of the submissions do not count toward it. Last evaluated 2026-09-01.

Conditions:
Inborn genetic diseases. Identifiers: MedGen C0950123, MeSH D030342.
Familial hypokalemia-hypomagnesemia (GTLMNS). Also called: gitelman syndrome; HYPOMAGNESEMIA-HYPOKALEMIA, PRIMARY RENOTUBULAR, WITH HYPOCALCIURIA; POTASSIUM AND MAGNESIUM DEPLETION. Identifiers: Orphanet 358, MedGen C0268450, MONDO:0009904, OMIM 263800.
SLC12A3-related disorder. Also called: SLC12A3-related condition.

Allele frequency attached by ClinVar (database versions not stated): 1000 Genomes Project 0.00040; 1000 Genomes Project 30x 0.00047; ExAC 0.00078; ESP Exome Variant Server 0.00092; gnomAD exomes 0.00093 and 0.00160; gnomAD 0.00101 and 0.00102; TOPMed 0.00122.
gnomAD v4.1: 2,454 of 1,614,098 alleles (0.15%); highest among the groups gnomAD compares: Non-Finnish European, 0.19%; 2 homozygotes.

Submissions (16):

PreventionGenetics, part of Exact Sciences
Classification: Uncertain significance for SLC12A3-related condition. Last evaluated: 2026-09-01. Review status: criteria provided, single submitter. Criteria: ACMG Guidelines, 2015. Collection method: clinical testing. Allele origin: germline.
Comment: The SLC12A3 c.363G>C variant is predicted to result in the amino acid substitution p.Glu121Asp. This variant has been reported along with a second SLC12A3 variant in multiple individuals with presumed Gitelman Syndrome (Glaudemans et al. 2012. PubMed ID: 22009145; Berry et al. 2013. PubMed ID: 23328711; supplementary data, Hureaux et al. 2019. PubMed ID: 31672324; supplementary data, Groopman et al. 2019. PubMed ID: 30586318). One individual with suspected urinary stone disease also harbored this variant in the heterozygous state along with a SLC34A1 variant (individual PHN133, Cogal et al. 2021. PubMed ID: 34805638). Functional studies indicate that this variant affects the thiazide-sensitive NaCl cotransporter (NCC) activities through reducing the sodium uptake (Glaudemans et al. 2012. PubMed ID: 22009145). This variant is reported in 0.16% of alleles in individuals of European (non-Finnish) descent in gnomAD V2. In the more recent gnomAD V4 data, this variant is observed in 2454/1,614,098 (0.15%) alleles and in 2 homozygotes, which may be too common to be a primary cause of disease. Although we suspect this variant could possibly contribute to SLC12A3-related disorders, given the conflicting evidence, the clinical significance of this variant is uncertain.

GeneDx
Classification: Uncertain significance. Last evaluated: 2026-06-03. Review status: criteria provided, single submitter. Criteria: GeneDx Variant Classification Process June 2021. Collection method: clinical testing. Allele origin: germline.
Comment: Reported previously in a patient with primary hyperoxaluria who also harbored a second variant, phase unknown (PMID: 30586318); In silico analysis suggests that this missense variant does not alter protein structure/function; This variant is associated with the following publications: (PMID: 34426522, Wan2021[casereport], 26825084, 34805638, 31672324, 34046503, 34604727, 23328711, 38985392, 22009145, 30586318, 41767689)

Ambry Genetics
Classification: Uncertain significance for Inborn genetic diseases. Last evaluated: 2025-12-05. Review status: criteria provided, single submitter. Criteria: Ambry Variant Classification Scheme 2023. Collection method: clinical testing. Allele origin: germline.
Comment: The c.363G>C (p.E121D) alteration is located in exon 2 (coding exon 2) of the SLC12A3 gene. This alteration results from a G to C substitution at nucleotide position 363, causing the glutamic acid (E) at amino acid position 121 to be replaced by an aspartic acid (D). Based on data from gnomAD, the C allele has an overall frequency of 0.091% (257/281630) total alleles studied. The highest observed frequency was 0.163% (209/128370) of European (non-Finnish) alleles. Based on insufficient or conflicting evidence, the clinical significance of this alteration remains unclear.

Women's Health and Genetics/Laboratory Corporation of America, LabCorp
Classification: Uncertain significance. Last evaluated: 2025-07-24. Review status: criteria provided, single submitter. Criteria: LabCorp Variant Classification Summary - May 2015. Collection method: clinical testing. Allele origin: germline.
Comment: Variant summary: SLC12A3 c.363G>C (p.Glu121Asp) results in a conservative amino acid change in the encoded protein sequence. Algorithms developed to predict the effect of missense changes on protein structure and function all suggest that this variant is likely to be tolerated. The variant allele was found at a frequency of 0.00093 in 250226 control chromosomes in the gnomAD database, including 1 homozygotes. This frequency is not significantly higher than estimated for a pathogenic variant in SLC12A3 causing Familial Hypokalemia-Hypomagnesemia, allowing no conclusion about variant significance. c.363G>C has been observed inindividuals with Gitelman syndrome. At least one individual showed normal levels of urinary calcium (Glaudemans_2012, Berry 2013). It has also been observed in individuals with chronic kidney disease/urinary stone disease (Groopman_2019, Cogal_2021). These reports do not provide unequivocal conclusions about association of the variant with Familial Hypokalemia-Hypomagnesemia (Gitelman syndrome). At least one publication reports experimental evidence evaluating an impact on protein function in the Xenopus laevis oocyte system (Glaudemans_ 2012). The most pronounced variant effect results in approximately 30% of normal thiazide-sensitive NaCl cotransporter (NCC) activity and normal localization to the plasma membrane. The following publications have been ascertained in the context of this evaluation (PMID: 23328711, 34805638, 22009145, 30586318). ClinVar contains an entry for this variant (Variation ID: 505768). Based on the evidence outlined above, the variant was classified as VUS-possibly pathogenic.

Rare Kidney Stone Consortium and the Mayo Clinic Hyperoxaluria Center, Mayo Clinic
Classification: Pathogenic for Familial hypokalemia-hypomagnesemia. Last evaluated: 2025-05-01. Review status: criteria provided, single submitter. Criteria: ACMG Guidelines, 2015. Collection method: research. Allele origin: germline.
Comment: ACMG: PS1, PS3,

heterozygote

Center for Genomic Medicine, Rigshospitalet, Copenhagen University Hospital
Classification: Uncertain significance. Last evaluated: 2025-03-04. Review status: criteria provided, single submitter. Criteria: ACMG Guidelines, 2015. Collection method: clinical testing. Allele origin: germline.

Labcorp Genetics (formerly Invitae), Labcorp
Classification: Uncertain significance. Last evaluated: 2025-01-15. Review status: criteria provided, single submitter. Criteria: Invitae Variant Classification Sherloc (09022015). Collection method: clinical testing. Allele origin: germline.
Comment: This sequence change replaces glutamic acid, which is acidic and polar, with aspartic acid, which is acidic and polar, at codon 121 of the SLC12A3 protein (p.Glu121Asp). This variant is present in population databases (rs146632606, gnomAD 0.2%), and has an allele count higher than expected for a pathogenic variant. This missense change has been observed in individual(s) with Gitelman syndrome (PMID: 22009145, 23328711, 30586318, 31672324). ClinVar contains an entry for this variant (Variation ID: 505768). Invitae Evidence Modeling of protein sequence and biophysical properties (such as structural, functional, and spatial information, amino acid conservation, physicochemical variation, residue mobility, and thermodynamic stability) indicates that this missense variant is not expected to disrupt SLC12A3 protein function with a negative predictive value of 95%. Experimental studies have shown that this missense change affects SLC12A3 function (PMID: 22009145). In summary, the available evidence is currently insufficient to determine the role of this variant in disease. Therefore, it has been classified as a Variant of Uncertain Significance.

Blueprint Genetics
Classification: Uncertain significance. Last evaluated: 2024-11-05. Review status: criteria provided, single submitter. Criteria: ACMG Guidelines, 2015. Collection method: clinical testing. Allele origin: germline.

Laboratory for Molecular Medicine, Mass General Brigham Personalized Medicine
Classification: Uncertain significance. Last evaluated: 2024-01-29. Review status: criteria provided, single submitter. Criteria: ACMG Guidelines, 2015. Collection method: clinical testing. Allele origin: germline.
Comment: The p.Glu121Asp variant in SLC12A3 has been reported in the compound heterozygous state in 6 individuals with symptoms or a diagnosis of Gitelman syndrome or urinary stone disease, at least 4 of whom carried a second disease-causing SLC12A3 variant (Glaudemans 2012 PMID: 22009145, Berry 2013 PMID: 23328711, Groopman 2019 PMID: 30586318, Hureaux PMID: 31672324, Cogal 2021 PMID: 34805638). In at least one of these individuals, the reported levels of urinary calcium were normal. This variant has also been identified in 0.16% (110/68042) of European chromosomes by the Genome Aggregation Database (gnomAD v.3.1.2). This variant has also been reported in ClinVar (Variation ID 505768). Computational prediction tools and conservation analyses do not provide strong support for or against an impact to the protein. In vitro functional studies provide some evidence that the p.Glu121Asp variant may impact protein function (Glaudemans 2012 PMID: 22009145); however, these types of assays may not accurately represent biological function. In summary, while there is some suspicion for a pathogenic role, the clinical significance of the p.Glu121Asp variant is uncertain. ACMG/AMP Criteria applied: PM3_Strong, PS3_Supporting.

Genome-Nilou Lab
Classification: Likely pathogenic for Familial hypokalemia-hypomagnesemia. Last evaluated: 2021-07-15. Review status: criteria provided, single submitter. Criteria: ACMG Guidelines, 2015. Collection method: clinical testing. Allele origin: germline. Affected: no.

Fulgent Genetics
Classification: Likely pathogenic for Familial hypokalemia-hypomagnesemia. Last evaluated: 2021-06-30. Review status: criteria provided, single submitter. Criteria: ACMG Guidelines, 2015. Collection method: clinical testing. Allele origin: unknown.
Comment: This variant has been detected in individual(s) who were sent for testing of Renasight - kidney gene panel.

Illumina Laboratory Services, Illumina
Classification: Likely pathogenic for Familial hypokalemia-hypomagnesemia. Last evaluated: 2019-01-09. Review status: criteria provided, single submitter. Criteria: ICSL Variant Classification Criteria 09 May 2019. Collection method: clinical testing. Allele origin: germline.
Comment: The SLC12A3 c.363G>C (p.Glu121Asp) variant has been reported in two studies and is found in a total of three probands with Gitelman syndrome in a compound heterozygous state (Glaudemans et al. 2012; Berry et al. 2013). Control data are unavailable for this variant, which is reported at a frequency of 0.00132 in the European (non-Finnish) population of the Exome Aggregation Consortium. Functional studies in Xenopus oocytes demonstrated proper localization but sodium uptake was significantly reduced compared to wild type (Glaudemans et al. 2012). Based on the evidence, the p.Glu121Asp variant is classified as likely pathogenic for Gitelman syndrome. This variant was observed by ICSL as part of a predisposition screen in an ostensibly healthy population.

Natera, Inc.
Classification: Uncertain significance for Gitelman syndrome. Last evaluated: 2020-09-16. Review status: no assertion criteria provided. Collection method: clinical testing. Allele origin: germline. Not counted in ClinVar's aggregate classification.

Gharavi Laboratory, Columbia University
Classification: Likely pathogenic. Last evaluated: 2018-09-16. Review status: no assertion criteria provided. Criteria: ACMG Guidelines, 2015. Collection method: research. Allele origin: germline. Affected: yes. Not counted in ClinVar's aggregate classification.

Clinical Genetics DNA and cytogenetics Diagnostics Lab, Erasmus MC, Erasmus Medical Center
Classification: Likely benign. Review status: flagged submission. Collection method: clinical testing. Allele origin: germline. Affected: yes. Study: VKGL Data-share Consensus. Not counted in ClinVar's aggregate classification.
ClinVar note: Reason: Outlier claim with insufficient supporting evidence

Joint Genome Diagnostic Labs from Nijmegen and Maastricht, Radboudumc and MUMC+
Classification: Benign. Review status: flagged submission. Collection method: clinical testing. Allele origin: germline. Affected: yes. Study: VKGL Data-share Consensus. Not counted in ClinVar's aggregate classification.
ClinVar note: Reason: Outlier claim with insufficient supporting evidence

Literature cited by the submitters: PubMed 22009145 (cited by 7 submitters); PubMed 23328711 (cited by 6 submitters); PubMed 30586318 (cited by 4 submitters); PubMed 34805638 (cited by Women's Health and Genetics/Laboratory Corporation of America, LabCorp and Rare Kidney Stone Consortium and the Mayo Clinic Hyperoxaluria Center, Mayo Clinic); PubMed 34426522 (cited by Rare Kidney Stone Consortium and the Mayo Clinic Hyperoxaluria Center, Mayo Clinic); PubMed 31672324 (cited by Rare Kidney Stone Consortium and the Mayo Clinic Hyperoxaluria Center, Mayo Clinic and Labcorp Genetics (formerly Invitae), Labcorp).